The following is an entry in ClinVar:

ClinVar aggregate classification (germline): Uncertain significance. Review status: criteria provided, multiple submitters, no conflicts (2 of 4 stars). 2 submissions from 2 submitters: Uncertain significance (2). Last evaluated 2025-07-10.

Conditions:
KCNQ4-related disorder. Also called: KCNQ4-related condition.

gnomAD v4.1: 2 of 1,612,568 alleles (0.00012%); highest among the groups gnomAD compares: Admixed American, 0.0017%; no homozygotes.

Submissions (2):

GeneDx
Classification: Uncertain significance. Last evaluated: 2025-07-10. Review status: criteria provided, single submitter. Criteria: GeneDx Variant Classification Process June 2021. Collection method: clinical testing. Allele origin: germline. Affected: yes.
Comment: Not observed at significant frequency in large population cohorts (gnomAD); In silico analysis supports a deleterious effect on splicing; Has not been previously published as pathogenic or benign to our knowledge

PreventionGenetics, part of Exact Sciences
Classification: Uncertain significance for KCNQ4-related condition. Last evaluated: 2024-12-03. Review status: criteria provided, single submitter. Criteria: ACMG Guidelines, 2015. Collection method: clinical testing. Allele origin: germline.
Comment: The KCNQ4 c.1876-9C>A variant is predicted to interfere with splicing. This variant is predicted to alter splicing based on available splicing prediction programs (SpliceAI, Jaganathan et al. 2019. PubMed ID: 30661751). To our knowledge, this variant has not been reported in the literature. This variant is reported in 0.0029% of alleles in individuals of Latino descent in gnomAD. At this time, the clinical significance of this variant is uncertain due to the absence of conclusive functional and genetic evidence.

NM_004700.4(KCNQ4):c.1876-9C>A

Gene: KCNQ4 (potassium voltage-gated channel subfamily Q member 4; plus strand). Cytogenetic location: 1p34.2.
Variant type: single nucleotide variant.
Coding change: c.1876-9C>A on transcript NM_004700.4 (MANE Select); 9 bases into the intron before coding-DNA position 1876, C replaced by A.
Molecular consequence: intron variant.
Genome position (GRCh38, 1-based): chr1:40,838,302, C>A. VCF-style: chr1-40838302-C-A. GRCh37 (hg19) VCF-style: chr1-41303974-C-A.
Other names: c.1714-9C>A (NM_172163.3); c.1876-9C>A (NM_004700.3).
Identifiers: ClinVar variation 4685217 (VCV004685217.2).